The following is an entry in ClinVar:

NM_000094.4(COL7A1):c.7381-20G>A

Gene: COL7A1 (collagen type VII alpha 1 chain; minus strand). Cytogenetic location: 3p21.31.
Variant type: single nucleotide variant.
Coding change: c.7381-20G>A on transcript NM_000094.4 (MANE Select); 20 bases into the intron before coding-DNA position 7381, G replaced by A.
Molecular consequence: intron variant.
Genome position (GRCh38, 1-based): chr3:48,570,354, C>T on the plus strand (G>A on the coding strand, the complement: COL7A1 is on the minus strand). VCF-style: chr3-48570354-C-T. GRCh37 (hg19) VCF-style: chr3-48607787-C-T.
Identifiers: ClinVar variation 2140680 (VCV002140680.5), dbSNP rs750336865, ClinGen allele CA2378520.

ClinVar aggregate classification (germline): Conflicting classifications of pathogenicity. Review status: criteria provided, conflicting classifications (1 of 4 stars). 2 submissions from 2 submitters: Uncertain significance (1); Likely benign (1). Last evaluated 2025-12-26.

Allele frequency attached by ClinVar (database versions not stated): ExAC 0.00004; gnomAD 0.00006; TOPMed 0.00006.

Submissions (2):

Labcorp Genetics (formerly Invitae), Labcorp
Classification: Uncertain significance. Last evaluated: 2025-12-26. Review status: criteria provided, single submitter. Criteria: Invitae Variant Classification Sherloc (09022015). Collection method: clinical testing. Allele origin: germline.
Comment: This sequence change falls in intron 96 of the COL7A1 gene. It does not directly change the encoded amino acid sequence of the COL7A1 protein. This variant is present in population databases (rs750336865, gnomAD 0.01%). This variant has not been reported in the literature in individuals affected with COL7A1-related conditions. ClinVar contains an entry for this variant (Variation ID: 2140680). Algorithms developed to predict the effect of sequence changes on RNA splicing suggest that this variant may create or strengthen a splice site. In summary, the available evidence is currently insufficient to determine the role of this variant in disease. Therefore, it has been classified as a Variant of Uncertain Significance.

Women's Health and Genetics/Laboratory Corporation of America, LabCorp
Classification: Likely benign. Last evaluated: 2025-01-19. Review status: criteria provided, single submitter. Criteria: LabCorp Variant Classification Summary - May 2015. Collection method: clinical testing. Allele origin: germline.